The following is an entry in ClinVar:

ClinVar aggregate classification (germline): Likely pathogenic (1 of 4 stars; one submission).

Conditions:
Glycogen storage disease type III (GSD3). Also called: FORBES DISEASE; Cori disease. Identifiers: Orphanet 366, MedGen C0017922, MONDO:0009291, OMIM 232400.

Submission:

Natera, Inc.
Classification: Likely pathogenic for Glycogen storage disease type III. Last evaluated: 2025-09-22. Review status: criteria provided, single submitter. Criteria: Natera Variant Classification Schema (03/2026). Collection method: clinical testing. Allele origin: germline.
Comment: The c.603_604insTC variant in AGL is a frameshift variant predicted to shift the reading frame beginning at codon 202 and leads to a stop codon 4 codons downstream. This variant is expected to result in nonsense mediated decay, truncation, or a dysfunctional protein product. This variant is rare in the general population with a frequency below the threshold expected for the associated phenotype(s). Given the available evidence, this variant is classified as Likely Pathogenic.

NM_000642.3(AGL):c.603_604insTC (p.Glu202fs)

Gene: AGL (amylo-alpha-1,6-glucosidase and 4-alpha-glucanotransferase; plus strand). Cytogenetic location: 1p21.2.
Variant type: Insertion.
Coding change: c.603_604insTC on transcript NM_000642.3 (MANE Select); coding-DNA positions 603 to 604, TC inserted.
Protein change: p.Glu202fs; shifts the reading frame from glutamic acid 202.
Molecular consequence: frameshift variant. On other transcripts: intron variant (2).
Genome position: GRCh38 VCF-style: chr1-99864528-G-GTC. GRCh37 (hg19) VCF-style: chr1-100330084-G-GTC.
Other names: c.603_604insTC, p.Glu202fs (NM_000028.3, NM_000643.3, NM_000644.3 and 3 more transcripts); c.555_556insTC, p.Glu186fs (NM_000646.3); c.225_226insTC, p.Glu76fs (NM_001425332.1); c.460+2105_460+2106insTC (NM_001425328.1, NM_001425329.1); short protein forms E186fs, E202fs, E76fs.
Identifiers: ClinVar variation 4814458 (VCV004814458.1).